The following is an entry in ClinVar:

NM_001042492.3(NF1):c.6802del (p.Ile2268fs)

Gene: NF1 (neurofibromin 1; plus strand). Cytogenetic location: 17q11.2.
Variant type: Deletion.
Coding change: c.6802del on transcript NM_001042492.3 (MANE Select); coding-DNA position 6802, one base deleted (A; older notation c.6802delA).
Protein change: p.Ile2268fs; shifts the reading frame from isoleucine 2268.
Molecular consequence: frameshift variant.
Genome position (GRCh38, 1-based): chr17:31,338,122, A deleted; the last of 2 consecutive A bases (chr17:31,338,121-31,338,122); deleting either gives the same sequence. VCF-style (leftmost placement, unchanged base first): chr17-31338120-TA-T. GRCh37 (hg19) VCF-style: chr17-29665138-TA-T.
Other names: c.6739delA, p.Ile2247Serfs (NM_000267.4); short protein forms I2268fs, I2247fs.
Identifiers: ClinVar variation 851106 (VCV000851106.7), dbSNP rs2069727641, ClinGen allele CA916080687.

ClinVar aggregate classification (germline): Pathogenic (1 of 4 stars; one submission).

Conditions:
Neurofibromatosis, type 1 (NF1). Also called: Neurofibromatosis, type I; VON RECKLINGHAUSEN DISEASE; Peripheral type neurofibromatosis; NEUROFIBROMATOSIS, TYPE I, SOMATIC. Identifiers: Orphanet 636, MedGen C0027831, MONDO:0018975, OMIM 162200. Disease mechanism: loss of function.

Submission:

Labcorp Genetics (formerly Invitae), Labcorp
Classification: Pathogenic for Neurofibromatosis, type 1. Last evaluated: 2019-12-19. Review status: criteria provided, single submitter. Criteria: Invitae Variant Classification Sherloc (09022015). Collection method: clinical testing. Allele origin: germline.
Comment: This sequence change creates a premature translational stop signal (p.Ile2247Serfs*12) in the NF1 gene. It is expected to result in an absent or disrupted protein product. This variant is not present in population databases (ExAC no frequency). This variant has not been reported in the literature in individuals with NF1-related conditions. Loss-of-function variants in NF1 are known to be pathogenic (PMID: 10712197, 23913538). For these reasons, this variant has been classified as Pathogenic.

Literature cited by the submitters: PubMed 10712197; PubMed 23913538.